The following is an entry in ClinVar:

NM_005859.5(PURA):c.127A>G (p.Ser43Gly)

Gene: PURA (purine rich element binding protein A; plus strand). Cytogenetic location: 5q31.3.
Variant type: single nucleotide variant.
Coding change: c.127A>G on transcript NM_005859.5 (MANE Select); coding-DNA position 127, A replaced by G.
Protein change: p.Ser43Gly; replaces serine 43 with glycine.
Molecular consequence: missense variant.
Genome position (GRCh38, 1-based): chr5:140,114,308, A>G. VCF-style: chr5-140114308-A-G. GRCh37 (hg19) VCF-style: chr5-139493893-A-G.
Other names: short protein forms S43G.
Identifiers: ClinVar variation 1198306 (VCV001198306.32), dbSNP rs1335796595, ClinGen allele CA361489432.

ClinVar aggregate classification (germline): Conflicting classifications of pathogenicity. Review status: criteria provided, conflicting classifications (1 of 4 stars). 4 submissions from 4 submitters: Uncertain significance (2); Benign (1); Likely benign (1). Last evaluated 2026-08-01.

Conditions:
PURA-related severe neonatal hypotonia-seizures-encephalopathy syndrome (NEDRIHF). Also called: NEURODEVELOPMENTAL DISORDER WITH NEONATAL RESPIRATORY INSUFFICIENCY, HYPOTONIA, AND FEEDING DIFFICULTIES; PURA-Related Neurodevelopmental Disorders. Identifiers: Orphanet 438213, Orphanet 438216, MedGen C4015357, MONDO:1060108, OMIM 616158, MONDO:0018580.
Inborn genetic diseases. Identifiers: MedGen C0950123, MeSH D030342.

Allele frequency attached by ClinVar (database versions not stated): gnomAD exomes 0.00001; gnomAD 0.00002.
gnomAD v4.1: 19 of 1,288,324 alleles (0.0015%); highest among the groups gnomAD compares: East Asian, 0.0061%; no homozygotes.

Submissions (4):

CeGaT Center for Human Genetics Tuebingen
Classification: Uncertain significance. Last evaluated: 2026-08-01. Review status: criteria provided, single submitter. Criteria: CeGaT Center For Human Genetics Tuebingen Variant Classification Criteria Version 2. Collection method: clinical testing. Allele origin: germline. Affected: yes. Observed: 2 variant alleles.
Comment: PURA: PP2

Ambry Genetics
Classification: Uncertain significance for Inborn genetic diseases. Last evaluated: 2025-01-20. Review status: criteria provided, single submitter. Criteria: Ambry Variant Classification Scheme 2023. Collection method: clinical testing. Allele origin: germline.

Labcorp Genetics (formerly Invitae), Labcorp
Classification: Benign for PURA-related severe neonatal hypotonia-seizures-encephalopathy syndrome. Last evaluated: 2023-10-13. Review status: criteria provided, single submitter. Criteria: Invitae Variant Classification Sherloc (09022015). Collection method: clinical testing. Allele origin: germline.

GeneDx
Classification: Likely benign. Last evaluated: 2021-05-24. Review status: criteria provided, single submitter. Criteria: GeneDx Variant Classification Process June 2021. Collection method: clinical testing. Allele origin: germline. Affected: yes.
Comment: In silico analysis supports that this missense variant does not alter protein structure/function; Has not been previously published as pathogenic or benign to our knowledge